The following is an entry in ClinVar:

NM_001163692.2(UBAP1L):c.910-7G>A

Gene: UBAP1L (ubiquitin associated protein 1 like; minus strand). Cytogenetic location: 15q22.31.
Variant type: single nucleotide variant.
Coding change: c.910-7G>A on transcript NM_001163692.2 (MANE Select); 7 bases into the intron before coding-DNA position 910, G replaced by A.
Molecular consequence: intron variant.
Genome position (GRCh38, 1-based): chr15:65,094,583, C>T on the plus strand (G>A on the coding strand, the complement: UBAP1L is on the minus strand). VCF-style: chr15-65094583-C-T. GRCh37 (hg19) VCF-style: chr15-65386921-C-T.
Other names: NC_000015.9:g.65386921C>T; IVS4, G-A, -7.
Identifiers: ClinVar variation 3341500 (VCV003341500.6).
Genomic context (GRCh38, chr15:65,094,583, plus strand): 5'-TTCCTCATATCCCTGACGTAACAGGCGGTCACAGGCACTGAGGTAGCTGAGAAACTGGGC[C>T]GGAAGCGGGCAGAGAGGGAGGGAGGGTAAGAGGAGCAGCCGGGGCAGCAGACAGGGCAGA-3'

ClinVar aggregate classification (germline): Pathogenic/Likely pathogenic. Review status: criteria provided, multiple submitters, no conflicts (2 of 4 stars). 4 submissions from 4 submitters: Pathogenic (1); Likely pathogenic (2). 1 of the submissions does not count toward it. Last evaluated 2025-10-13.

Conditions:
Retinal dystrophy. Also called: Inherited retinal dystrophy. Identifiers: Orphanet 71862, MedGen C0854723, MeSH D058499, MONDO:0019118, HP:0000556.
Tooth agenesis, selective, 7 (STHAG7). Identifiers: Orphanet 99798, MedGen C4225231, MONDO:0014749, OMIM 616724.
RETINAL DYSTROPHY, ZEITZ-HAN TYPE (RDZH). Identifiers: MedGen CN381542, OMIM 621558.

gnomAD v4.1: 180 of 1,549,892 alleles (0.012%); highest among the groups gnomAD compares: Admixed American, 0.049%; 1 homozygote.

Submissions (5):

GeneDx
Classification: Likely pathogenic. Last evaluated: 2025-10-13. Review status: criteria provided, single submitter. Criteria: GeneDx Variant Classification Process June 2021. Collection method: clinical testing. Allele origin: germline.
Comment: RT-PCR studies demonstrate an aberrant splicing effect (PMID: 38420906, 38293907); In silico analysis supports a deleterious effect on splicing; This variant is associated with the following publications: (PMID: 39293306, 39082341, 39325468, 38293907, 39504961, 38420906)

Genomic Medicine Center of Excellence, King Faisal Specialist Hospital and Research Centre
Classification: Likely pathogenic for Tooth agenesis, selective, 7. Last evaluated: 2025-09-10. Review status: criteria provided, single submitter. Criteria: ACMG Guidelines, 2015. Collection method: clinical testing. Allele origin: germline.

NEI Ophthalmic Genomics Laboratory, National Institutes of Health
Classification: Pathogenic for Inherited retinal dystrophy. Last evaluated: 2024-04-15. Review status: criteria provided, single submitter. Criteria: ACMG Guidelines, 2015. Collection method: research. Allele origin: germline. Affected: yes.
Comment: The UBAP1L variant NM_001163692.2:c.910-7G>A was homozygous in six unrelated individuals with IRDs (PMID 39325468, 38293907, 38420906; PS4). It was also found in trans with another pathogenic variant (PMID 38420906; PM3). This variant is rare in gnomAD v4.1.0 (AF 0.0001161; PM2). It was found to cause aberrant splicing in functional studies (PMID 39325468, 38420906; PS3). In summary, the variant NM_001163692.2:c.910-7G>A is classified as Pathogenic following the ACMG/AMP guidelines (PMID 25741868).

OMIM
Classification: Pathogenic for RETINAL DYSTROPHY, ZEITZ-HAN TYPE. Last evaluated: 2026-04-14. Review status: no assertion criteria provided. Collection method: literature only. Allele origin: germline. Not counted in ClinVar's aggregate classification.

Dr. Peter K. Rogan Lab, Western University
No classification provided (evidence only). Condition: Familial cancer of breast. Review status: no classification provided. Collection method: in vitro. Allele origin: not applicable. Functional consequence: retained intron. Not counted in ClinVar's aggregate classification.

Literature cited by the submitters: PubMed 38293907 (cited by OMIM); PubMed 38420906 (cited by OMIM); PubMed 39325468 (cited by OMIM).